The following is an entry in ClinVar:

NM_001005273.3(CHD3):c.3873C>T (p.Tyr1291=)

Gene: CHD3 (chromodomain helicase DNA binding protein 3; plus strand). Cytogenetic location: 17p13.1.
Variant type: single nucleotide variant.
Coding change: c.3873C>T on transcript NM_001005273.3 (MANE Select); coding-DNA position 3873, C replaced by T.
Protein change: p.Tyr1291=; no amino-acid change (tyrosine 1291 retained).
Molecular consequence: synonymous variant.
Genome position (GRCh38, 1-based): chr17:7,903,970, C>T. VCF-style: chr17-7903970-C-T. GRCh37 (hg19) VCF-style: chr17-7807288-C-T.
Other names: c.4050C>T, p.Tyr1350= (NM_001005271.3); c.3873C>T, p.Tyr1291= (NM_005852.4).
Identifiers: ClinVar variation 3035512 (VCV003035512.2), dbSNP rs774748581, ClinGen allele CA8363168.

ClinVar aggregate classification (germline): Likely benign (0 of 4 stars; one submission).

Conditions:
CHD3-related disorder. Also called: CHD3-related condition.

Allele frequency attached by ClinVar (database versions not stated): gnomAD 0.00001; ExAC 0.00002; gnomAD exomes 0.00003; TOPMed 0.00003.
gnomAD v4.1: 49 of 1,613,926 alleles (0.003%); highest among the groups gnomAD compares: Non-Finnish European, 0.0039%; 1 homozygote.

Submission:

PreventionGenetics, part of Exact Sciences
Classification: Likely benign for CHD3-related condition. Last evaluated: 2023-01-31. Review status: no assertion criteria provided. Collection method: clinical testing. Allele origin: germline.
Comment: This variant is classified as likely benign based on ACMG/AMP sequence variant interpretation guidelines (Richards et al. 2015 PMID: 25741868, with internal and published modifications).